The following is an entry in ClinVar:

NM_000552.5(VWF):c.3406C>T (p.Arg1136Trp)

Gene: VWF (von Willebrand factor; minus strand). Cytogenetic location: 12p13.31.
Variant type: single nucleotide variant.
Coding change: c.3406C>T on transcript NM_000552.5 (MANE Select); coding-DNA position 3406, C replaced by T.
Protein change: p.Arg1136Trp; replaces arginine 1136 with tryptophan.
Molecular consequence: missense variant.
Genome position (GRCh38, 1-based): chr12:6,022,872, G>A on the plus strand (C>T on the coding strand, the complement: VWF is on the minus strand). VCF-style: chr12-6022872-G-A. GRCh37 (hg19) VCF-style: chr12-6132038-G-A.
Other names: short protein forms R1136W.
Identifiers: ClinVar variation 2682105 (VCV002682105.1), dbSNP rs1196204671, ClinGen allele CA383511471.
Genomic context (GRCh38, chr12:6,022,872, plus strand): 5'-TGACTTGACAGGCAGGTGCACAGCTGTTATAGCGCCACTCACACTCATACCCGTTCTCCC[G>A]GAGATTCCTCTCCTCGCAGCTCTGGGCTGTGTAGACAGGAGACAAGGCTGTGGCCACAAC-3'
Protein context (NP_000543.3, residues 1126-1146): CPQSCEERNL[Arg1136Trp]ENGYECEWRY

ClinVar aggregate classification (germline): Uncertain significance (1 of 4 stars; one submission).

Allele frequency attached by ClinVar (database versions not stated): gnomAD exomes 0.00001.

Submission:

Quest Diagnostics Nichols Institute San Juan Capistrano
Classification: Uncertain significance. Last evaluated: 2023-04-24. Review status: criteria provided, single submitter. Criteria: Quest Diagnostics criteria. Collection method: clinical testing. Allele origin: unknown.
Comment: This variant has not been reported in the published literature. It also has not been reported in large, multi-ethnic general populations. Analysis of this variant using bioinformatics tools for the prediction of the effect of amino acid changes on protein structure and function yielded predictions that this variant is benign. Based on the available information, we are unable to determine the clinical significance of this variant.